The following is an entry in ClinVar:

ClinVar aggregate classification (germline): Uncertain significance (1 of 4 stars; one submission).

Submission:

Labcorp Genetics (formerly Invitae), Labcorp
Classification: Uncertain significance. Last evaluated: 2022-10-22. Review status: criteria provided, single submitter. Criteria: Invitae Variant Classification Sherloc (09022015). Collection method: clinical testing. Allele origin: germline.
Comment: In summary, the available evidence is currently insufficient to determine the role of this variant in disease. Therefore, it has been classified as a Variant of Uncertain Significance. Advanced modeling of protein sequence and biophysical properties (such as structural, functional, and spatial information, amino acid conservation, physicochemical variation, residue mobility, and thermodynamic stability) performed at Invitae indicates that this missense variant is not expected to disrupt ARID1A protein function. This variant has not been reported in the literature in individuals affected with ARID1A-related conditions. This variant is not present in population databases (gnomAD no frequency). This sequence change replaces alanine, which is neutral and non-polar, with glutamic acid, which is acidic and polar, at codon 245 of the ARID1A protein (p.Ala245Glu).

NM_006015.6(ARID1A):c.734C>A (p.Ala245Glu)

Genes: ARID1A (AT-rich interaction domain 1A; plus strand), LOC129929837 (ATAC-STARR-seq lymphoblastoid silent region 489; plus strand). Cytogenetic location: 1p36.11.
Variant type: single nucleotide variant.
Coding change: c.734C>A on transcript NM_006015.6 (MANE Select); coding-DNA position 734, C replaced by A.
Protein change: p.Ala245Glu; replaces alanine 245 with glutamic acid.
Molecular consequence: missense variant.
Genome position (GRCh38, 1-based): chr1:26,697,137, C>A. VCF-style: chr1-26697137-C-A. GRCh37 (hg19) VCF-style: chr1-27023628-C-A.
Other names: c.734C>A, p.Ala245Glu (NM_139135.4); short protein forms A245E.
Identifiers: ClinVar variation 1722047 (VCV001722047.6), dbSNP rs1002160828, ClinGen allele CA339266228.